The following is an entry in ClinVar:

ClinVar aggregate classification (germline): Uncertain significance (1 of 4 stars; one submission).

Conditions:
Cardiovascular phenotype. Identifiers: MedGen CN230736.

Submission:

Ambry Genetics
Classification: Uncertain significance for Cardiovascular phenotype. Last evaluated: 2019-12-12. Review status: criteria provided, single submitter. Criteria: Ambry Variant Classification Scheme 2023. Collection method: clinical testing. Allele origin: germline.
Comment: The c.408_415dupGAGGAAAA variant, located in coding exon 4 of the NEXN gene, results from a duplication of GAGGAAAA at nucleotide position 408, causing a translational frameshift with a predicted alternate stop codon (p.I139Rfs*8). This alteration is expected to result in loss of function by premature protein truncation or nonsense-mediated mRNA decay. However, loss of function of NEXN has not been clearly established as a mechanism of disease. Since supporting evidence is limited at this time, the clinical significance of this alteration remains unclear.

NM_144573.4(NEXN):c.408_415dup (p.Ile139fs)

Genes: NEXN (nexilin F-actin binding protein; plus strand), LOC126805765 (BRD4-independent group 4 enhancer GRCh37_chr1:78383688-78384887; plus strand). Cytogenetic location: 1p31.1.
Variant type: Duplication.
Coding change: c.408_415dup on transcript NM_144573.4 (MANE Select); coding-DNA positions 408 to 415, 8 bases duplicated (GAGGAAAA; older notation c.408_415dupGAGGAAAA).
Protein change: p.Ile139fs; shifts the reading frame from isoleucine 139.
Molecular consequence: frameshift variant.
Genome position (GRCh38, 1-based): chr1:77,918,234-77,918,241, GAGGAAAA duplicated; duplicating any 8 consecutive bases within chr1:77,918,229-77,918,241 gives the same sequence; the c. name uses the placement nearest the transcript's 3' end. VCF-style (leftmost placement, unchanged base first): chr1-77918228-A-AGAAAAGAG. GRCh37 (hg19) VCF-style: chr1-78383913-A-AGAAAAGAG.
Other names: c.216_223dup, p.Ile75fs (NM_001172309.2); c.408_415dupGAGGAAAA (NM_144573.3); short protein forms I139fs, I75fs.
Identifiers: ClinVar variation 1737624 (VCV001737624.2), dbSNP rs1417399079, ClinGen allele CA739077437.